The following is an entry in ClinVar:

NM_001754.5(RUNX1):c.395_396del (p.Val132fs)

Genes: RUNX1 (RUNX family transcription factor 1; minus strand), RUNX1-AS1 (RUNX1 antisense RNA 1; plus strand). Cytogenetic location: 21q22.12.
Variant type: Microsatellite.
Coding change: c.395_396del on transcript NM_001754.5 (MANE Select); coding-DNA positions 395 to 396, 2 bases deleted (TG; older notation c.395_396delTG).
Protein change: p.Val132fs; shifts the reading frame from valine 132.
Molecular consequence: frameshift variant.
Genome position (GRCh38, 1-based): chr21:34,880,669-34,880,670, CA deleted on the plus strand (TG on the coding strand, the reverse complement: RUNX1 is on the minus strand); deleting any 2 consecutive bases within chr21:34,880,669-34,880,672 gives the same sequence; the c. name uses the placement nearest the transcript's 3' end. VCF-style (leftmost placement, unchanged base first): chr21-34880668-TCA-T. GRCh37 (hg19) VCF-style: chr21-36252965-TCA-T.
Other names: c.395_396delTG (NM_001754.4); c.314_315del, p.Val105fs (NM_001001890.3, NM_001122607.2); c.393_394TG[1], p.Val132Aspfs (NM_001754.4); short protein forms V105fs, V132fs.
Identifiers: ClinVar variation 4726540 (VCV004726540.2).

ClinVar aggregate classification (germline): Pathogenic. Review status: criteria provided, multiple submitters, no conflicts (2 of 4 stars). 2 submissions from 2 submitters: Pathogenic (2). Last evaluated 2025-10-25.

Conditions:
RUNX1-related disorder. Also called: RUNX1-related condition.
Hereditary thrombocytopenia and hematological cancer predisposition syndrome associated with RUNX1. Also called: Familial Platelet Disorder with Propensity to Acute Myelogenous Leukemia; Familial thrombocytopenia with propensity to acute myelogenous leukemia; PLATELET DISORDER, ASPIRIN-LIKE; RUNX1 Familial Platelet Disorder with Associated Myeloid Malignancies. Identifiers: Orphanet 71290, MedGen C1832388, MeSH C563324, MONDO:0100083, OMIM 601399.

Submissions (2):

Labcorp Genetics (formerly Invitae), Labcorp
Classification: Pathogenic for Hereditary thrombocytopenia and hematological cancer predisposition syndrome associated with RUNX1. Last evaluated: 2025-10-25. Review status: criteria provided, single submitter. Criteria: Invitae Variant Classification Sherloc (09022015). Collection method: clinical testing. Allele origin: germline.
Comment: This sequence change creates a premature translational stop signal (p.Val132Aspfs*5) in the RUNX1 gene. It is expected to result in an absent or disrupted protein product. Loss-of-function variants in RUNX1 are known to be pathogenic (PMID: 18723428, 24100448). This variant is not present in population databases (gnomAD no frequency). This variant has not been reported in the literature in individuals affected with RUNX1-related conditions. For these reasons, this variant has been classified as Pathogenic.

PreventionGenetics, part of Exact Sciences
Classification: Pathogenic for RUNX1-related condition. Last evaluated: 2025-06-11. Review status: criteria provided, single submitter. Criteria: ACMG Guidelines, 2015. Collection method: clinical testing. Allele origin: germline.
Comment: The RUNX1 c.395_396delTG variant is predicted to result in a frameshift and premature protein termination (p.Val132Aspfs*5). To our knowledge, this variant has not been reported in the literature, ClinVar database, or in a large population database (gnomAD), indicating this variant is rare. Frameshift variants in RUNX1 are expected to be pathogenic. This variant is interpreted as pathogenic.

Literature cited by the submitters: PubMed 18723428 (cited by Labcorp Genetics (formerly Invitae), Labcorp); PubMed 24100448 (cited by Labcorp Genetics (formerly Invitae), Labcorp).